The following is an entry in ClinVar:

NM_002075.4(GNB3):c.80A>G (p.Asp27Gly)

Gene: GNB3 (G protein subunit beta 3; plus strand). Cytogenetic location: 12p13.31.
Variant type: single nucleotide variant.
Coding change: c.80A>G on transcript NM_002075.4 (MANE Select); coding-DNA position 80, A replaced by G.
Protein change: p.Asp27Gly; replaces aspartic acid 27 with glycine.
Molecular consequence: missense variant.
Genome position (GRCh38, 1-based): chr12:6,841,608, A>G. VCF-style: chr12-6841608-A-G. GRCh37 (hg19) VCF-style: chr12-6950772-A-G.
Other names: c.80A>G, p.Asp27Gly (NM_001297571.2); short protein forms D27G.
Identifiers: ClinVar variation 960328 (VCV000960328.10), dbSNP rs1221479148, ClinGen allele CA383671466.

ClinVar aggregate classification (germline): Uncertain significance (1 of 4 stars; one submission).

Allele frequency attached by ClinVar (database versions not stated): gnomAD 0.00001; TOPMed 0.00002.
gnomAD v4.1: 4 of 1,613,436 alleles (0.00025%); highest among the groups gnomAD compares: Non-Finnish European, 0.00034%; no homozygotes.

Submission:

Labcorp Genetics (formerly Invitae), Labcorp
Classification: Uncertain significance. Last evaluated: 2022-08-19. Review status: criteria provided, single submitter. Criteria: Invitae Variant Classification Sherloc (09022015). Collection method: clinical testing. Allele origin: germline.
Comment: In summary, the available evidence is currently insufficient to determine the role of this variant in disease. Therefore, it has been classified as a Variant of Uncertain Significance. Algorithms developed to predict the effect of missense changes on protein structure and function are either unavailable or do not agree on the potential impact of this missense change (SIFT: "Deleterious"; PolyPhen-2: "Benign"; Align-GVGD: "Class C0"). ClinVar contains an entry for this variant (Variation ID: 960328). This variant has not been reported in the literature in individuals affected with GNB3-related conditions. This variant is not present in population databases (gnomAD no frequency). This sequence change replaces aspartic acid, which is acidic and polar, with glycine, which is neutral and non-polar, at codon 27 of the GNB3 protein (p.Asp27Gly).